The following is an entry in ClinVar:

NM_004006.3(DMD):c.1341_1342dup (p.Val448fs)

Gene: DMD (dystrophin; minus strand). Cytogenetic location: Xp21.1.
Variant type: Microsatellite.
Coding change: c.1341_1342dup on transcript NM_004006.3 (MANE Select); coding-DNA positions 1341 to 1342, 2 bases duplicated (AG; older notation c.1341_1342dupAG).
Protein change: p.Val448fs; shifts the reading frame from valine 448.
Molecular consequence: frameshift variant.
Genome position (GRCh38, 1-based): chrX:32,614,443-32,614,444, CT duplicated on the plus strand (AG on the coding strand, the reverse complement: DMD is on the minus strand); duplicating any 2 consecutive bases within chrX:32,614,443-32,614,446 gives the same sequence; the c. name uses the placement nearest the transcript's 3' end. VCF-style (leftmost placement, unchanged base first): chrX-32614442-A-ACT. GRCh37 (hg19) VCF-style: chrX-32632559-A-ACT.
Other names: c.1317_1318dup, p.Val440fs (NM_000109.4); c.1329_1330dup, p.Val444fs (NM_004009.3); c.972_973dup, p.Val325fs (NM_004010.3); c.1341_1342dupAG (NM_004006.2); short protein forms V444fs, V448fs, V325fs, V440fs.
Identifiers: ClinVar variation 94462 (VCV000094462.15), dbSNP rs398123856, ClinGen allele CA266884.

ClinVar aggregate classification (germline): Pathogenic. Review status: criteria provided, multiple submitters, no conflicts (2 of 4 stars). 2 submissions from 2 submitters: Pathogenic (2). Last evaluated 2022-02-04.

Conditions:
Duchenne muscular dystrophy (DMD). Also called: Duchenne Muscular Dystrophy (DMD); MUSCULAR DYSTROPHY, PSEUDOHYPERTROPHIC PROGRESSIVE, DUCHENNE TYPE. Identifiers: Orphanet 98896, MedGen C0013264, MONDO:0010679, OMIM 310200.

Submissions (2):

Labcorp Genetics (formerly Invitae), Labcorp
Classification: Pathogenic for Duchenne muscular dystrophy. Last evaluated: 2022-02-04. Review status: criteria provided, single submitter. Criteria: Invitae Variant Classification Sherloc (09022015). Collection method: clinical testing. Allele origin: germline.
Comment: For these reasons, this variant has been classified as Pathogenic. ClinVar contains an entry for this variant (Variation ID: 94462). This variant has not been reported in the literature in individuals affected with DMD-related conditions. This variant is not present in population databases (gnomAD no frequency). This sequence change creates a premature translational stop signal (p.Val448Glufs*3) in the DMD gene. It is expected to result in an absent or disrupted protein product. Loss-of-function variants in DMD are known to be pathogenic (PMID: 16770791, 25007885).

Eurofins Ntd Llc (ga)
Classification: Pathogenic. Last evaluated: 2012-12-10. Review status: criteria provided, single submitter. Criteria: EGL Classification Definitions. Collection method: clinical testing. Allele origin: germline. Observed: 1 variant allele, 1 hemizygote.

Literature cited by the submitters: PubMed 16770791 (cited by Labcorp Genetics (formerly Invitae), Labcorp); PubMed 25007885 (cited by Labcorp Genetics (formerly Invitae), Labcorp); PubMed 23757202 (cited by Eurofins Ntd Llc (ga)).